The following is an entry in ClinVar:

NM_013450.4(BAZ2B):c.2463G>A (p.Pro821=)

Gene: BAZ2B (bromodomain adjacent to zinc finger domain 2B; minus strand). Cytogenetic location: 2q24.2.
Variant type: single nucleotide variant.
Coding change: c.2463G>A on transcript NM_013450.4 (MANE Select); coding-DNA position 2463, G replaced by A.
Protein change: p.Pro821=; no amino-acid change (proline 821 retained).
Molecular consequence: synonymous variant. On other transcripts: intron variant (2).
Genome position (GRCh38, 1-based): chr2:159,427,944, C>T on the plus strand (G>A on the coding strand, the complement: BAZ2B is on the minus strand). VCF-style: chr2-159427944-C-T. GRCh37 (hg19) VCF-style: chr2-160284455-C-T.
Other names: c.2274G>A, p.Pro758= (NM_001329857.2); c.2358+367G>A (NM_001289975.1); c.2364+367G>A (NM_001329858.2).
Identifiers: ClinVar variation 4084862 (VCV004084862.8).

ClinVar aggregate classification (germline): Likely benign (1 of 4 stars; one submission).

gnomAD v4.1: 57 of 1,612,272 alleles (0.0035%); highest among the groups gnomAD compares: Middle Eastern, 0.017%; no homozygotes.

Submission:

CeGaT Center for Human Genetics Tuebingen
Classification: Likely benign. Last evaluated: 2025-08-01. Review status: criteria provided, single submitter. Criteria: CeGaT Center For Human Genetics Tuebingen Variant Classification Criteria Version 2. Collection method: clinical testing. Allele origin: germline. Affected: yes. Observed: 1 variant allele.
Comment: BAZ2B: BP4, BP7